The following is an entry in ClinVar:

NM_021098.3(CACNA1H):c.1130T>G (p.Leu377Arg)

Gene: CACNA1H (calcium voltage-gated channel subunit alpha1 H; plus strand). Cytogenetic location: 16p13.3.
Variant type: single nucleotide variant.
Coding change: c.1130T>G on transcript NM_021098.3 (MANE Select); coding-DNA position 1130, T replaced by G.
Protein change: p.Leu377Arg; replaces leucine 377 with arginine.
Molecular consequence: missense variant.
Genome position (GRCh38, 1-based): chr16:1,200,726, T>G. VCF-style: chr16-1200726-T-G. GRCh37 (hg19) VCF-style: chr16-1250726-T-G.
Other names: c.1130T>G, p.Leu377Arg (NM_001005407.2); short protein forms L377R.
Identifiers: ClinVar variation 4682183 (VCV004682183.1).
Genomic context (GRCh38, chr16:1,200,726, plus strand): 5'-GAGGAGGAGGAGGGGTCGTGCGGGCCCAAGTCAAGCCACTGCCCCCCCAGGTGATCACGC[T>G]GGAAGGCTGGGTGGACATCATGTACTACGTCATGGACGCCCACTCATTCTACAACTTCAT-3'
Protein context (NP_066921.2, residues 367-387): AWIAIFQVIT[Leu377Arg]EGWVDIMYYV

ClinVar aggregate classification (germline): Uncertain significance (1 of 4 stars; one submission).

Submission:

Athena Diagnostics
Classification: Uncertain significance. Last evaluated: 2025-05-05. Review status: criteria provided, single submitter. Criteria: Athena Diagnostics Criteria. Collection method: clinical testing. Allele origin: unknown.
Comment: Available data are insufficient to determine the clinical significance of the variant at this time. This variant has not been reported in large, multi-ethnic general populations. Polyphen and MutationTaster predict this amino acid change may be damaging to the protein.